The following is an entry in ClinVar:

ClinVar aggregate classification (germline): Uncertain significance (1 of 4 stars; one submission).

Submission:

Labcorp Genetics (formerly Invitae), Labcorp
Classification: Uncertain significance. Last evaluated: 2025-04-21. Review status: criteria provided, single submitter. Criteria: Invitae Variant Classification Sherloc (09022015). Collection method: clinical testing. Allele origin: germline.
Comment: This sequence change replaces arginine, which is basic and polar, with leucine, which is neutral and non-polar, at codon 206 of the EPHB4 protein (p.Arg206Leu). This variant is present in population databases (no rsID available, gnomAD 0.003%). This variant has not been reported in the literature in individuals affected with EPHB4-related conditions. ClinVar contains an entry for this variant (Variation ID: 3713718). An algorithm developed to predict the effect of missense changes on protein structure and function (PolyPhen-2) suggests that this variant is likely to be tolerated. In summary, the available evidence is currently insufficient to determine the role of this variant in disease. Therefore, it has been classified as a Variant of Uncertain Significance.

NM_004444.5(EPHB4):c.616_617delinsTT (p.Arg206Leu)

Gene: EPHB4 (EPH receptor B4; minus strand). Cytogenetic location: 7q22.1.
Variant type: Indel.
Coding change: c.616_617delinsTT on transcript NM_004444.5 (MANE Select); coding-DNA positions 616 to 617, CG replaced by TT.
Protein change: p.Arg206Leu; replaces arginine 206 with leucine.
Molecular consequence: missense variant.
Genome position (GRCh38, 1-based): chr7:100,822,462-100,822,463, CG replaced by AA on the plus strand (CG replaced by TT on the coding strand, the reverse complement: EPHB4 is on the minus strand). VCF-style: chr7-100822462-CG-AA. GRCh37 (hg19) VCF-style: chr7-100420084-CG-AA.
Other names: short protein forms R206L.
Identifiers: ClinVar variation 3713718 (VCV003713718.2).